The following is an entry in ClinVar:

NM_001904.4(CTNNB1):c.226C>G (p.Gln76Glu)

Genes: CTNNB1 (catenin beta 1; plus strand), LOC126806658 (BRD4-independent group 4 enhancer GRCh37_chr3:41265899-41267098; plus strand). Cytogenetic location: 3p22.1.
Variant type: single nucleotide variant.
Coding change: c.226C>G on transcript NM_001904.4 (MANE Select); coding-DNA position 226, C replaced by G.
Protein change: p.Gln76Glu; replaces glutamine 76 with glutamic acid.
Molecular consequence: missense variant.
Genome position (GRCh38, 1-based): chr3:41,224,738, C>G. VCF-style: chr3-41224738-C-G. GRCh37 (hg19) VCF-style: chr3-41266229-C-G.
Other names: c.226C>G, p.Gln76Glu (NM_001098209.2, NM_001098210.2); c.205C>G, p.Gln69Glu (NM_001330729.2); short protein forms Q69E, Q76E.
Identifiers: ClinVar variation 2099698 (VCV002099698.4), dbSNP rs2078134464, ClinGen allele CA352228806.

ClinVar aggregate classification (germline): Uncertain significance (1 of 4 stars; one submission).

Submission:

Labcorp Genetics (formerly Invitae), Labcorp
Classification: Uncertain significance. Last evaluated: 2024-12-09. Review status: criteria provided, single submitter. Criteria: Invitae Variant Classification Sherloc (09022015). Collection method: clinical testing. Allele origin: germline.
Comment: This sequence change replaces glutamine, which is neutral and polar, with glutamic acid, which is acidic and polar, at codon 76 of the CTNNB1 protein (p.Gln76Glu). This variant is not present in population databases (gnomAD no frequency). This variant has not been reported in the literature in individuals affected with CTNNB1-related conditions. ClinVar contains an entry for this variant (Variation ID: 2099698). Invitae Evidence Modeling of protein sequence and biophysical properties (such as structural, functional, and spatial information, amino acid conservation, physicochemical variation, residue mobility, and thermodynamic stability) indicates that this missense variant is not expected to disrupt CTNNB1 protein function with a negative predictive value of 80%. In summary, the available evidence is currently insufficient to determine the role of this variant in disease. Therefore, it has been classified as a Variant of Uncertain Significance.